The following is an entry in ClinVar:

NM_001146344.3(PRAMEF11):c.917G>A (p.Cys306Tyr)

Gene: PRAMEF11 (PRAME family member 11; minus strand). Cytogenetic location: 1p36.21.
Variant type: single nucleotide variant.
Coding change: c.917G>A on transcript NM_001146344.3 (MANE Select); coding-DNA position 917, G replaced by A.
Protein change: p.Cys306Tyr; replaces cysteine 306 with tyrosine.
Molecular consequence: missense variant.
Genome position (GRCh38, 1-based): chr1:12,825,462, C>T on the plus strand (G>A on the coding strand, the complement: PRAMEF11 is on the minus strand). VCF-style: chr1-12825462-C-T. GRCh37 (hg19) VCF-style: chr1-12885320-C-T.
Other names: short protein forms C306Y.
Identifiers: ClinVar variation 4840136 (VCV004840136.1).

ClinVar aggregate classification (germline): Uncertain significance (1 of 4 stars; one submission).

Submission:

Ambry Genetics
Classification: Uncertain significance. Last evaluated: 2026-02-17. Review status: criteria provided, single submitter. Criteria: Ambry Variant Classification Scheme 2023. Collection method: clinical testing. Allele origin: germline.
Comment: The c.791G>A (p.C264Y) alteration is located in exon 4 (coding exon 3) of the PRAMEF11 gene. This alteration results from a G to A substitution at nucleotide position 791, causing the cysteine (C) at amino acid position 264 to be replaced by a tyrosine (Y). Based on data from gnomAD, the A allele has an overall frequency of <0.001% (0/160896) total alleles studied. The highest observed frequency was <0.001% (/) of alleles. Based on insufficient or conflicting evidence, the clinical significance of this alteration remains unclear.